The following is an entry in ClinVar:

NM_014244.5(ADAMTS2):c.789C>T (p.Asp263=)

Gene: ADAMTS2 (ADAM metallopeptidase with thrombospondin type 1 motif 2; minus strand). Cytogenetic location: 5q35.3.
Variant type: single nucleotide variant.
Coding change: c.789C>T on transcript NM_014244.5 (MANE Select); coding-DNA position 789, C replaced by T.
Protein change: p.Asp263=; no amino-acid change (aspartic acid 263 retained).
Molecular consequence: synonymous variant.
Genome position (GRCh38, 1-based): chr5:179,207,615, G>A on the plus strand (C>T on the coding strand, the complement: ADAMTS2 is on the minus strand). VCF-style: chr5-179207615-G-A. GRCh37 (hg19) VCF-style: chr5-178634616-G-A.
Other names: c.789C>T, p.Asp263= (NM_021599.4).
Identifiers: ClinVar variation 508451 (VCV000508451.19), dbSNP rs144235544, ClinGen allele CA3596159.

ClinVar aggregate classification (germline): Benign/Likely benign. Review status: criteria provided, multiple submitters, no conflicts (2 of 4 stars). 5 submissions from 5 submitters: Benign (1); Likely benign (3). 1 of the submissions does not count toward it. Last evaluated 2026-06-01.

Conditions:
Ehlers-Danlos syndrome, dermatosparaxis type. Also called: Dermatosparaxis; Ehlers-Danlos syndrome, type VII, autosomal recessive; EDS VIIC. Identifiers: Orphanet 1901, MedGen C2700425, MONDO:0009161, OMIM 225410.

Allele frequency attached by ClinVar (database versions not stated): ExAC 0.00010; gnomAD exomes 0.00011; ESP Exome Variant Server 0.00031; TOPMed 0.00031.
gnomAD v4.1: 184 of 1,613,844 alleles (0.011%); highest among the groups gnomAD compares: African/African-American, 0.073%; no homozygotes.

Submissions (5):

CeGaT Center for Human Genetics Tuebingen
Classification: Likely benign. Last evaluated: 2026-06-01. Review status: criteria provided, single submitter. Criteria: CeGaT Center For Human Genetics Tuebingen Variant Classification Criteria Version 2. Collection method: clinical testing. Allele origin: germline. Affected: yes. Observed: 1 variant allele.
Comment: ADAMTS2: BP4, BP7

Women's Health and Genetics/Laboratory Corporation of America, LabCorp
Classification: Likely benign. Last evaluated: 2026-02-03. Review status: criteria provided, single submitter. Criteria: LabCorp Variant Classification Summary - May 2015. Collection method: clinical testing. Allele origin: germline.

Labcorp Genetics (formerly Invitae), Labcorp
Classification: Benign for Ehlers-Danlos syndrome, dermatosparaxis type. Last evaluated: 2025-12-31. Review status: criteria provided, single submitter. Criteria: Invitae Variant Classification Sherloc (09022015). Collection method: clinical testing. Allele origin: germline.

GeneDx
Classification: Likely benign. Last evaluated: 2021-02-24. Review status: criteria provided, single submitter. Criteria: GeneDx Variant Classification Process June 2021. Collection method: clinical testing. Allele origin: germline. Affected: yes.

Natera, Inc.
Classification: Benign for Ehlers-Danlos syndrome type VIIC. Last evaluated: 2020-05-22. Review status: no assertion criteria provided. Collection method: clinical testing. Allele origin: germline. Not counted in ClinVar's aggregate classification.